The following is an entry in ClinVar:

ClinVar aggregate classification (germline): Uncertain significance (1 of 4 stars; one submission).

Conditions:
Familial sleep-related hypermotor epilepsy. Also called: Autosomal Dominant Sleep-Related Hypermotor (Hyperkinetic) Epilepsy. Identifiers: Orphanet 98784, MedGen C3696898, MONDO:0000030.

Allele frequency attached by ClinVar (database versions not stated): TOPMed below 0.00001.

Submission:

Labcorp Genetics (formerly Invitae), Labcorp
Classification: Uncertain significance. Last evaluated: 2021-08-14. Review status: criteria provided, single submitter. Criteria: Invitae Variant Classification Sherloc (09022015). Collection method: clinical testing. Allele origin: germline.
Comment: Algorithms developed to predict the effect of missense changes on protein structure and function are either unavailable or do not agree on the potential impact of this missense change (SIFT: "Tolerated"; PolyPhen-2: "Possibly Damaging"; Align-GVGD: "Class C0"). This variant has not been reported in the literature in individuals affected with CHRNA4-related conditions. This variant is not present in population databases (ExAC no frequency). This sequence change replaces alanine with aspartic acid at codon 36 of the CHRNA4 protein (p.Ala36Asp). The alanine residue is moderately conserved and there is a moderate physicochemical difference between alanine and aspartic acid. In summary, the available evidence is currently insufficient to determine the role of this variant in disease. Therefore, it has been classified as a Variant of Uncertain Significance.

NM_000744.7(CHRNA4):c.107C>A (p.Ala36Asp)

Gene: CHRNA4 (cholinergic receptor nicotinic alpha 4 subunit; minus strand). Cytogenetic location: 20q13.33.
Variant type: single nucleotide variant.
Coding change: c.107C>A on transcript NM_000744.7 (MANE Select); coding-DNA position 107, C replaced by A.
Protein change: p.Ala36Asp; replaces alanine 36 with aspartic acid.
Molecular consequence: missense variant. On other transcripts: 5 prime UTR variant (1), non-coding transcript variant (1).
Genome position (GRCh38, 1-based): chr20:63,359,669, G>T on the plus strand (C>A on the coding strand, the complement: CHRNA4 is on the minus strand). VCF-style: chr20-63359669-G-T. GRCh37 (hg19) VCF-style: chr20-61991021-G-T.
Other names: c.-440C>A (NM_001256573.2); short protein forms A36D.
Identifiers: ClinVar variation 1422717 (VCV001422717.6), dbSNP rs2068775011, ClinGen allele CA409643902.